The following is an entry in ClinVar:

ClinVar aggregate classification (germline): Likely benign (1 of 4 stars; one submission).

Allele frequency attached by ClinVar (database versions not stated): 1000 Genomes Project 30x 0.01530; ESP Exome Variant Server 0.01553; TOPMed 0.01613; 1000 Genomes Project 0.01657; gnomAD 0.01699 and 0.01750; gnomAD exomes 0.02115 and 0.02194; ExAC 0.02151.

Submission:

GeneDx
Classification: Likely benign. Last evaluated: 2017-11-10. Review status: criteria provided, single submitter. Criteria: GeneDx Variant Classification (06012015). Collection method: clinical testing. Allele origin: germline. Affected: yes.
Comment: This variant is considered likely benign or benign based on one or more of the following criteria: it is a conservative change, it occurs at a poorly conserved position in the protein, it is predicted to be benign by multiple in silico algorithms, and/or has population frequency not consistent with disease.

NM_003672.4(CDC14A):c.-47=

Gene: CDC14A (cell division cycle 14A; plus strand). Cytogenetic location: 1p21.2.
Variant type: single nucleotide variant.
Coding change: c.-47= on transcript NM_003672.4 (MANE Select); 47 bases upstream of the start codon, no change from the reference sequence.
Molecular consequence: no sequence alteration. On other transcripts: intron variant (1).
Genome position: GRCh38 VCF-style: chr1-100352908-T-T. GRCh37 (hg19) VCF-style: chr1-100818464-T-T.
Other names: c.-47= (NM_001319210.2, NM_033312.3, NM_033313.3); c.-838= (NM_001319212.2); c.-125-854= (NM_001319211.2).
Identifiers: ClinVar variation 508149 (VCV000508149.1), dbSNP rs594529.